The following is an entry in ClinVar:

NM_001258392.3(CLPB):c.1792C>T (p.Arg598Cys)

Gene: CLPB (ClpB family mitochondrial disaggregase; minus strand). Cytogenetic location: 11q13.4.
Variant type: single nucleotide variant.
Coding change: c.1792C>T on transcript NM_001258392.3 (MANE Select); coding-DNA position 1792, C replaced by T.
Protein change: p.Arg598Cys; replaces arginine 598 with cysteine.
Molecular consequence: missense variant.
Genome position (GRCh38, 1-based): chr11:72,293,609, G>A on the plus strand (C>T on the coding strand, the complement: CLPB is on the minus strand). VCF-style: chr11-72293609-G-A. GRCh37 (hg19) VCF-style: chr11-72004653-G-A.
Other names: p.Arg598Cys; NM_001258392.3(CLPB):c.1792C>T; c.1882C>T (NM_030813.3); c.1792C>T (NM_001258392.1); c.1705C>T, p.Arg569Cys (NM_001258393.3); c.1747C>T, p.Arg583Cys (NM_001258394.3); c.1882C>T, p.Arg628Cys (NM_030813.6); short protein forms R628C, R598C, R583C, R569C.
Identifiers: ClinVar variation 279610 (VCV000279610.70), dbSNP rs150343959, ClinGen allele CA6171023.

ClinVar aggregate classification (germline): Conflicting classifications of pathogenicity. Review status: criteria provided, conflicting classifications (1 of 4 stars). 18 submissions from 18 submitters: Likely pathogenic (2); Uncertain significance (14). 2 of the submissions do not count toward it. Last evaluated 2026-09-11.

Conditions:
3-methylglutaconic aciduria, type VIIA. Also called: 3-METHYLGLUTACONIC ACIDURIA WITH NEUROLOGIC INVOLVEMENT AND NEUTROPENIA, AUTOSOMAL DOMINANT. Identifiers: MedGen C5676967, MONDO:0859237, OMIM 619835.
CLPB-related disorder. Also called: CLPB-related condition.
Inborn genetic diseases. Identifiers: MedGen C0950123, MeSH D030342.
3-methylglutaconic aciduria, type VIIB (MGCA7B). Also called: CLPB Deficiency; 3-methylglutaconic aciduria with cataracts, neurologic involvement and neutropenia; 3-methylglutaconic aciduria, type VII, with cataracts, neurologic involvement and neutropenia. Identifiers: Orphanet 445038, MedGen C5676893, MONDO:0014561, OMIM 616271.

Allele frequency attached by ClinVar (database versions not stated): 1000 Genomes Project 0.00060; 1000 Genomes Project 30x 0.00078; gnomAD exomes 0.00107 and 0.00215; ExAC 0.00110; TOPMed 0.00127; gnomAD 0.00129 and 0.00133; ESP Exome Variant Server 0.00223.
gnomAD v4.1: 3,293 of 1,610,442 alleles (0.2%); highest among the groups gnomAD compares: Non-Finnish European, 0.26%; 4 homozygotes.

Submissions 1 to 10 of 18:

GeneDx
Classification: Uncertain significance. Last evaluated: 2026-09-11. Review status: criteria provided, single submitter. Criteria: GeneDx Variant Classification Process June 2021. Collection method: clinical testing. Allele origin: germline.
Comment: Classified as a variant of uncertain significance and identified heterozygous in three individuals with cyclic neutropenia (PMID: 34115842); In silico analysis supports that this missense variant has a deleterious effect on protein structure/function; This variant is associated with the following publications: (PMID: 28687938, 25595726, 27891836, 34782754, 36074910, 35493704, Weronika2023[poster], 40194906, 35616898, 34115842, 42616676)

OLLIN Analises Genomicas, OLLIN
Classification: Uncertain significance for 3-methylglutaconic aciduria, type VIIA. Last evaluated: 2026-08-06. Review status: criteria provided, single submitter. Criteria: ACMG Guidelines 2015 PMID 25741868. Collection method: clinical testing. Allele origin: germline. Inheritance: Autosomal dominant inheritance.
Comment: This missense variant, located in exon 16 (of 16), has been reported in ClinVar (accession VCV000279610.65) and in gnomAD with an allele frequency of 0.204%. However, to our knowledge, it has not been reported in the scientific literature. In silico analysis predicts that this variant has a deleterious effect. According to the currently available evidence, this variant has been classified as uncertain significance (PP3_M).

Women's Health and Genetics/Laboratory Corporation of America, LabCorp
Classification: Uncertain significance. Last evaluated: 2026-05-28. Review status: criteria provided, single submitter. Criteria: LabCorp Variant Classification Summary - May 2015. Collection method: clinical testing. Allele origin: germline.
Comment: Variant summary: CLPB c.1882C>T (p.Arg628Cys) results in a non-conservative amino acid change located in the Clp ATPase, C-terminal domain (IPR019489) of the encoded protein sequence. Algorithms developed to predict the effect of missense changes on protein structure and function are either unavailable or do not agree on the potential impact of this missense change. The variant allele was found at a frequency of 0.0011 in 249824 control chromosomes, predominantly at a frequency of 0.0019 within the Non-Finnish European subpopulation in the gnomAD database. The observed variant frequency within Non-Finnish European control individuals in the gnomAD database slightly exceeds the estimated maximal expected allele frequency for disease-causing variants in CLPB. c.1882C>T has been observed in the compound heterozygous state in individuals affected with and/or with clinical features of 3-Methylglutaconic Aciduria, Type VIIB (Kanabus_2015, Rivalta_2022, Denomme-Pichon_2022). These data indicate that the variant may be associated with disease. It has also been reported in the heterozygous state in three related individuals affected with congenital neutropenia without strong evidence for causality (Warren_2022). One publication reports experimental evidence evaluating an impact on protein function, however, does not allow convincing conclusions about the variant effect (Kanabus_2015). The following publications have been ascertained in the context of this evaluation (PMID: 34782754, 25595726, 35616898, 34115842, 28687938). ClinVar contains an entry for this variant (Variation ID: 279610). Based on the evidence outlined above, the variant was classified as VUS-possibly benign.

Dasa
Classification: Likely pathogenic. Last evaluated: 2026-04-16. Review status: criteria provided, single submitter. Criteria: DASA Assertion Criteria. Collection method: clinical testing. Allele origin: germline.
Comment: NM_001258392.3(CLPB):c.1792C>T (p.Arg598Cys) is a missense variant that results in the substitution of arginine with cysteine. Segregation data support an association with disease in the reported family/families (PMID: 36074910; PMID: 36745679). This variant has been recurrently observed in individuals with CLPB-related disorders (PMID: 36074910; PMID: 36745679). Functional evidence supports an impact on the gene or gene product (PMID: 36074910; PMID: 36745679). Also, this variant is rare in population databases. Computational evidence supports a deleterious effect. Based on the currently available evidence, this variant is classified as likely pathogenic.

PreventionGenetics, part of Exact Sciences
Classification: Uncertain significance for CLPB-related condition. Last evaluated: 2026-04-09. Review status: criteria provided, single submitter. Criteria: ACMG Guidelines, 2015. Collection method: clinical testing. Allele origin: germline.
Comment: The CLPB c.1882C>T variant is predicted to result in the amino acid substitution p.Arg628Cys. This variant has been reported in the compound heterozygous state in two siblings with 3-methylglutaconic aciduria, renal cysts, nephrocalcinosis, and cataracts (Kanabus et al. 2015. PubMed ID: 25595726) and in the heterozygous state without a second variant in three unrelated patients with cyclic neutropenia (Warren et al. 2022. PubMed ID: 34115842). This variant is reported in 0.19% of alleles in individuals of European (Non-Finnish) descent in gnomAD. Functional studies are inconclusive about the impact of this variant on CLPB protein function (Kanabus et al. 2015. PubMed ID: 25595726). At this time, the clinical significance of this variant is uncertain due to the absence of conclusive functional and genetic evidence.

Labcorp Genetics (formerly Invitae), Labcorp
Classification: Uncertain significance for 3-methylglutaconic aciduria, type VIIB. Last evaluated: 2026-01-26. Review status: criteria provided, single submitter. Criteria: Invitae Variant Classification Sherloc (09022015). Collection method: clinical testing. Allele origin: germline.
Comment: This sequence change replaces arginine, which is basic and polar, with cysteine, which is neutral and slightly polar, at codon 628 of the CLPB protein (p.Arg628Cys). This variant is present in population databases (rs150343959, gnomAD 0.2%), and has an allele count higher than expected for a pathogenic variant. This missense change has been observed in individual(s) with clinical features of 3-methylglutaconic aciduria (PMID: 25595726, 34115842, 35616898). ClinVar contains an entry for this variant (Variation ID: 279610). An algorithm developed to predict the effect of missense changes on protein structure and function (PolyPhen-2) suggests that this variant is likely to be disruptive. Experimental studies are conflicting or provide insufficient evidence to determine the effect of this variant on CLPB function (PMID: 25595726). In summary, the available evidence is currently insufficient to determine the role of this variant in disease. Therefore, it has been classified as a Variant of Uncertain Significance.

Mayo Clinic Laboratories, Mayo Clinic
Classification: Uncertain significance. Last evaluated: 2025-09-17. Review status: criteria provided, single submitter. Criteria: ACMG Guidelines, 2015. Collection method: clinical testing. Allele origin: germline. Observed: 2 variant alleles.
Comment: BS1, PP3_moderate, PM3

CeGaT Center for Human Genetics Tuebingen
Classification: Uncertain significance. Last evaluated: 2024-12-01. Review status: criteria provided, single submitter. Criteria: CeGaT Center For Human Genetics Tuebingen Variant Classification Criteria Version 2. Collection method: clinical testing. Allele origin: germline. Affected: yes. Observed: 2 variant alleles.

Blueprint Genetics
Classification: Uncertain significance. Last evaluated: 2024-11-25. Review status: criteria provided, single submitter. Criteria: ACMG Guidelines, 2015. Collection method: clinical testing. Allele origin: germline.

Ambry Genetics
Classification: Uncertain significance for Inborn genetic diseases. Last evaluated: 2024-07-08. Review status: criteria provided, single submitter. Criteria: Ambry Variant Classification Scheme 2023. Collection method: clinical testing. Allele origin: germline.
Comment: Unlikely to be causative of CLPB-related congenital neutropenia with or without neurodevelopmental disorders (AD) Based on insufficient or conflicting evidence, the clinical significance of this alteration remains unclear.